The following is an entry in ClinVar:

NM_182641.4(BPTF):c.5569C>T (p.Pro1857Ser)

Gene: BPTF (bromodomain PHD finger transcription factor; plus strand). Cytogenetic location: 17q24.2.
Variant type: single nucleotide variant.
Coding change: c.5569C>T on transcript NM_182641.4 (MANE Select); coding-DNA position 5569, C replaced by T.
Protein change: p.Pro1857Ser; replaces proline 1857 with serine.
Molecular consequence: missense variant.
Genome position (GRCh38, 1-based): chr17:67,922,851, C>T. VCF-style: chr17-67922851-C-T. GRCh37 (hg19) VCF-style: chr17-65918967-C-T.
Other names: c.5947C>T, p.Pro1983Ser (NM_004459.7); short protein forms P1857S, P1983S.
Identifiers: ClinVar variation 3728422 (VCV003728422.2).
Genomic context (GRCh38, chr17:67,922,851, plus strand): 5'-TAATTTTAGAAGCAATATTGCTTAAAATATTCTGATTTCCTTTCCAAAGAAACGCCTACA[C>T]CTCAGAGGAAAGGCCTTCGATCAAGTGCACTGCGGCCAAAGAGACCAGAAACGCCCAAGC-3'
Protein context (NP_872579.2, residues 1847-1867): VPETPKETPT[Pro1857Ser]QRKGLRSSAL

ClinVar aggregate classification (germline): Uncertain significance (1 of 4 stars; one submission).

Submission:

Labcorp Genetics (formerly Invitae), Labcorp
Classification: Uncertain significance. Last evaluated: 2025-01-01. Review status: criteria provided, single submitter. Criteria: Invitae Variant Classification Sherloc (09022015). Collection method: clinical testing. Allele origin: germline.
Comment: This sequence change replaces proline, which is neutral and non-polar, with serine, which is neutral and polar, at codon 1983 of the BPTF protein (p.Pro1983Ser). This variant is not present in population databases (gnomAD no frequency). This variant has not been reported in the literature in individuals affected with BPTF-related conditions. An algorithm developed to predict the effect of missense changes on protein structure and function (PolyPhen-2) suggests that this variant is likely to be disruptive. In summary, the available evidence is currently insufficient to determine the role of this variant in disease. Therefore, it has been classified as a Variant of Uncertain Significance.